The following is an entry in ClinVar:

ClinVar aggregate classification (germline): Uncertain significance (1 of 4 stars; one submission).

Conditions:
Singleton-Merten syndrome 1 (SGMRT1). Also called: Widened medullary cavities of bone, aortic calcification, abnormal dentition, and muscular weakness; Syndrome of widened medullary cavities of the metacarpals and phalanges, aortic calcification and abnormal dentition. Identifiers: Orphanet 85191, MedGen C4225427, MONDO:0024535, OMIM 182250.
Aicardi-Goutieres syndrome 7 (AGS7). Identifiers: Orphanet 51, MedGen C3888244, MONDO:0014367, OMIM 615846.

Allele frequency attached by ClinVar (database versions not stated): TOPMed below 0.00001.

Submission:

Labcorp Genetics (formerly Invitae), Labcorp
Classification: Uncertain significance for Aicardi-Goutieres syndrome 7; Singleton-Merten syndrome 1. Last evaluated: 2024-07-29. Review status: criteria provided, single submitter. Criteria: Invitae Variant Classification Sherloc (09022015). Collection method: clinical testing. Allele origin: germline.
Comment: This sequence change replaces phenylalanine, which is neutral and non-polar, with valine, which is neutral and non-polar, at codon 107 of the IFIH1 protein (p.Phe107Val). This variant is not present in population databases (gnomAD no frequency). This variant has not been reported in the literature in individuals affected with IFIH1-related conditions. ClinVar contains an entry for this variant (Variation ID: 1474326). Advanced modeling of protein sequence and biophysical properties (such as structural, functional, and spatial information, amino acid conservation, physicochemical variation, residue mobility, and thermodynamic stability) has been performed at Invitae for this missense variant, however the output from this modeling did not meet the statistical confidence thresholds required to predict the impact of this variant on IFIH1 protein function. In summary, the available evidence is currently insufficient to determine the role of this variant in disease. Therefore, it has been classified as a Variant of Uncertain Significance.

NM_022168.4(IFIH1):c.319T>G (p.Phe107Val)

Gene: IFIH1 (interferon induced with helicase C domain 1; minus strand). Cytogenetic location: 2q24.2.
Variant type: single nucleotide variant.
Coding change: c.319T>G on transcript NM_022168.4 (MANE Select); coding-DNA position 319, T replaced by G.
Protein change: p.Phe107Val; replaces phenylalanine 107 with valine.
Molecular consequence: missense variant.
Genome position (GRCh38, 1-based): chr2:162,317,989, A>C on the plus strand (T>G on the coding strand, the complement: IFIH1 is on the minus strand). VCF-style: chr2-162317989-A-C. GRCh37 (hg19) VCF-style: chr2-163174499-A-C.
Other names: short protein forms F107V.
Identifiers: ClinVar variation 1474326 (VCV001474326.8), dbSNP rs1047156211, ClinGen allele CA59694151.